The following is an entry in ClinVar:

ClinVar aggregate classification (germline): Likely benign (1 of 4 stars; one submission).

gnomAD v4.1: 6 of 1,545,210 alleles (0.00039%); highest among the groups gnomAD compares: South Asian, 0.0012%; no homozygotes.

Submission:

GeneDx
Classification: Likely benign. Last evaluated: 2016-03-09. Review status: criteria provided, single submitter. Criteria: GeneDx Variant Classification (06012015). Collection method: clinical testing. Allele origin: germline. Affected: yes.
Comment: This variant is considered likely benign or benign based on one or more of the following criteria: it is a conservative change, it occurs at a poorly conserved position in the protein, it is predicted to be benign by multiple in silico algorithms, and/or has population frequency not consistent with disease.

NM_001191061.2(SLC25A22):c.413-8G>A

Gene: SLC25A22 (solute carrier family 25 member 22; minus strand). Cytogenetic location: 11p15.5.
Variant type: single nucleotide variant.
Coding change: c.413-8G>A on transcript NM_001191061.2 (MANE Select); 8 bases into the intron before coding-DNA position 413, G replaced by A.
Molecular consequence: intron variant.
Genome position (GRCh38, 1-based): chr11:792,735, C>T on the plus strand (G>A on the coding strand, the complement: SLC25A22 is on the minus strand). VCF-style: chr11-792735-C-T. GRCh37 (hg19) VCF-style: chr11-792735-C-T.
Other names: c.413-8G>A (NM_001191060.2, NM_024698.6).
Identifiers: ClinVar variation 384237 (VCV000384237.1), dbSNP rs376015598, ClinGen allele CA16607028.